The following is an entry in ClinVar:

ClinVar aggregate classification (germline): Uncertain significance. Review status: criteria provided, multiple submitters, no conflicts (2 of 4 stars). 3 submissions from 3 submitters: Uncertain significance (3). Last evaluated 2026-08-16.

Conditions:
Hereditary cancer-predisposing syndrome. Also called: Hereditary Cancer Syndrome; Hereditary neoplastic syndrome; Neoplastic Syndromes, Hereditary; Tumor predisposition. Identifiers: Orphanet 140162, MedGen C0027672, MeSH D009386, MONDO:0015356.
Familial adenomatous polyposis 1 (FAP1). Also called: POLYPOSIS, ADENOMATOUS INTESTINAL; FAMILIAL ADENOMATOUS POLYPOSIS 1, ATTENUATED. Identifiers: MedGen C2713442, MONDO:0021056, OMIM 175100. Disease mechanism: loss of function.

Submissions (3):

Ambry Genetics
Classification: Uncertain significance for Hereditary cancer-predisposing syndrome. Last evaluated: 2026-08-16. Review status: criteria provided, single submitter. Criteria: Ambry Variant Classification Scheme 2023. Collection method: clinical testing. Allele origin: germline.
Comment: The p.P692R variant (also known as c.2075C>G), located in coding exon 15 of the APC gene, results from a C to G substitution at nucleotide position 2075. The proline at codon 692 is replaced by arginine, an amino acid with dissimilar properties. This amino acid position is conserved. In addition, in silico predictors for this gene do not accurately predict pathogenicity. Based on the available evidence, the clinical significance of this variant remains unclear.

Color Diagnostics, LLC DBA Color Health
Classification: Uncertain significance for Hereditary cancer-predisposing syndrome. Last evaluated: 2024-03-06. Review status: criteria provided, single submitter. Criteria: ACMG Guidelines, 2015. Collection method: clinical testing. Allele origin: germline.
Comment: This missense variant replaces proline with arginine at codon 692 of the APC protein. Computational prediction suggests that this variant may not impact protein structure and function (internally defined REVEL score threshold <= 0.5, PMID: 27666373). To our knowledge, functional studies have not been reported for this variant. This variant has not been reported in individuals affected with APC-related disorders in the literature. This variant has not been identified in the general population by the Genome Aggregation Database (gnomAD). The available evidence is insufficient to determine the role of this variant in disease conclusively. Therefore, this variant is classified as a Variant of Uncertain Significance.

Labcorp Genetics (formerly Invitae), Labcorp
Classification: Uncertain significance for Familial adenomatous polyposis 1. Last evaluated: 2023-02-18. Review status: criteria provided, single submitter. Criteria: Invitae Variant Classification Sherloc (09022015). Collection method: clinical testing. Allele origin: germline.
Comment: This variant has not been reported in the literature in individuals affected with APC-related conditions. In summary, the available evidence is currently insufficient to determine the role of this variant in disease. Therefore, it has been classified as a Variant of Uncertain Significance. Advanced modeling of protein sequence and biophysical properties (such as structural, functional, and spatial information, amino acid conservation, physicochemical variation, residue mobility, and thermodynamic stability) performed at Invitae indicates that this missense variant is not expected to disrupt APC protein function. This variant is not present in population databases (gnomAD no frequency). This sequence change replaces proline, which is neutral and non-polar, with arginine, which is basic and polar, at codon 692 of the APC protein (p.Pro692Arg).

NM_000038.6(APC):c.2075C>G (p.Pro692Arg)

Gene: APC (APC regulator of Wnt signaling pathway; plus strand). Cytogenetic location: 5q22.2.
Variant type: single nucleotide variant.
Coding change: c.2075C>G on transcript NM_000038.6 (MANE Select); coding-DNA position 2075, C replaced by G.
Protein change: p.Pro692Arg; replaces proline 692 with arginine.
Molecular consequence: missense variant. On other transcripts: non-coding transcript variant (2).
Genome position (GRCh38, 1-based): chr5:112,837,669, C>G. VCF-style: chr5-112837669-C-G. GRCh37 (hg19) VCF-style: chr5-112173366-C-G.
Other names: c.2075C>G, p.Pro692Arg (NM_001127510.3, NM_001354895.2, NM_001407450.1); c.2021C>G, p.Pro674Arg (NM_001127511.3); c.2129C>G, p.Pro710Arg (NM_001354896.2, NM_001407449.1, NM_001407447.1 and 1 more transcripts); c.2105C>G, p.Pro702Arg (NM_001354897.2); c.2000C>G, p.Pro667Arg (NM_001354898.2); c.1991C>G, p.Pro664Arg (NM_001354899.2); c.2054C>G, p.Pro685Arg (NM_001407451.1); c.2045C>G, p.Pro682Arg (NM_001407452.1); and 12 more; short protein forms P409R, P563R, P609R, P651R, P720R, P308R, P532R, P685R.
Identifiers: ClinVar variation 2724235 (VCV002724235.5), dbSNP rs1322926033, ClinGen allele CA16025860.